The following is an entry in ClinVar:

ClinVar aggregate classification (germline): Uncertain significance. Review status: criteria provided, multiple submitters, no conflicts (2 of 4 stars). 2 submissions from 2 submitters: Uncertain significance (2). Last evaluated 2025-02-06.

Conditions:
Inborn genetic diseases. Identifiers: MedGen C0950123, MeSH D030342.
Mitochondrial DNA depletion syndrome 9 (MTDPS9). Also called: SUCLG1-Related Mitochondrial DNA Depletion Syndrome, Encephalomyopathic Form with Methylmalonic Aciduria. Identifiers: Orphanet 17, MedGen C3151476, MONDO:0009504, OMIM 245400.

Allele frequency attached by ClinVar (database versions not stated): TOPMed 0.00001; gnomAD exomes 0.00003 and 0.00006; ExAC 0.00006.
gnomAD v4.1: 17 of 1,614,018 alleles (0.0011%); highest among the groups gnomAD compares: Admixed American, 0.025%; no homozygotes.

Submissions (2):

Ambry Genetics
Classification: Uncertain significance for Inborn genetic diseases. Last evaluated: 2025-02-06. Review status: criteria provided, single submitter. Criteria: Ambry Variant Classification Scheme 2023. Collection method: clinical testing. Allele origin: germline.

Labcorp Genetics (formerly Invitae), Labcorp
Classification: Uncertain significance for Mitochondrial DNA depletion syndrome 9. Last evaluated: 2022-01-08. Review status: criteria provided, single submitter. Criteria: Invitae Variant Classification Sherloc (09022015). Collection method: clinical testing. Allele origin: germline.
Comment: This sequence change replaces asparagine, which is neutral and polar, with aspartic acid, which is acidic and polar, at codon 274 of the SUCLG1 protein (p.Asn274Asp). This variant is present in population databases (rs748368534, gnomAD 0.05%). This variant has not been reported in the literature in individuals affected with SUCLG1-related conditions. Algorithms developed to predict the effect of missense changes on protein structure and function are either unavailable or do not agree on the potential impact of this missense change (SIFT: "Deleterious"; PolyPhen-2: "Probably Damaging"; Align-GVGD: "Class C15"). In summary, the available evidence is currently insufficient to determine the role of this variant in disease. Therefore, it has been classified as a Variant of Uncertain Significance.

NM_003849.4(SUCLG1):c.820A>G (p.Asn274Asp)

Gene: SUCLG1 (succinate-CoA ligase GDP/ADP-forming subunit alpha; minus strand). Cytogenetic location: 2p11.2.
Variant type: single nucleotide variant.
Coding change: c.820A>G on transcript NM_003849.4 (MANE Select); coding-DNA position 820, A replaced by G.
Protein change: p.Asn274Asp; replaces asparagine 274 with aspartic acid.
Molecular consequence: missense variant.
Genome position (GRCh38, 1-based): chr2:84,431,513, T>C on the plus strand (A>G on the coding strand, the complement: SUCLG1 is on the minus strand). VCF-style: chr2-84431513-T-C. GRCh37 (hg19) VCF-style: chr2-84658637-T-C.
Other names: c.820A>G (NM_003849.3); short protein forms N274D.
Identifiers: ClinVar variation 1525657 (VCV001525657.4), dbSNP rs748368534, ClinGen allele CA1736177.